The following is an entry in ClinVar:

NM_020975.6(RET):c.13A>G (p.Thr5Ala)

Genes: RET (ret proto-oncogene; plus strand), LOC106736614 (RET 5' regulatory region; plus strand). Cytogenetic location: 10q11.21.
Variant type: single nucleotide variant.
Coding change: c.13A>G on transcript NM_020975.6 (MANE Select); coding-DNA position 13, A replaced by G.
Protein change: p.Thr5Ala; replaces threonine 5 with alanine.
Molecular consequence: missense variant.
Genome position (GRCh38, 1-based): chr10:43,077,271, A>G. VCF-style: chr10-43077271-A-G. GRCh37 (hg19) VCF-style: chr10-43572719-A-G.
Other names: c.13A>G, p.Thr5Ala (NM_001406781.1, NM_001406783.1, NM_001406784.1 and 38 more transcripts); short protein forms T5A.
Identifiers: ClinVar variation 1771753 (VCV001771753.4), dbSNP rs2132497461, ClinGen allele CA376768019.

ClinVar aggregate classification (germline): Uncertain significance. Review status: criteria provided, multiple submitters, no conflicts (2 of 4 stars). 2 submissions from 2 submitters: Uncertain significance (2). Last evaluated 2022-08-23.

Conditions:
Hereditary cancer-predisposing syndrome. Also called: Hereditary Cancer Syndrome; Hereditary neoplastic syndrome; Neoplastic Syndromes, Hereditary; Tumor predisposition. Identifiers: Orphanet 140162, MedGen C0027672, MeSH D009386, MONDO:0015356.
Multiple endocrine neoplasia, type 2 (MEN2). Identifiers: Orphanet 653, MedGen C4048306, MONDO:0019003. Disease mechanism: gain of function.

Allele frequency attached by ClinVar (database versions not stated): gnomAD exomes below 0.00001; gnomAD 0.00001; 1000 Genomes Project 30x 0.00016.
gnomAD v4.1: 2 of 1,506,152 alleles (0.00013%); highest among the groups gnomAD compares: South Asian, 0.0025%; no homozygotes.

Submissions (2):

Labcorp Genetics (formerly Invitae), Labcorp
Classification: Uncertain significance for Multiple endocrine neoplasia, type 2. Last evaluated: 2022-08-23. Review status: criteria provided, single submitter. Criteria: Invitae Variant Classification Sherloc (09022015). Collection method: clinical testing. Allele origin: germline.
Comment: This sequence change replaces threonine, which is neutral and polar, with alanine, which is neutral and non-polar, at codon 5 of the RET protein (p.Thr5Ala). This variant is not present in population databases (gnomAD no frequency). This variant has not been reported in the literature in individuals affected with RET-related conditions. Algorithms developed to predict the effect of missense changes on protein structure and function (SIFT, PolyPhen-2, Align-GVGD) all suggest that this variant is likely to be tolerated. In summary, the available evidence is currently insufficient to determine the role of this variant in disease. Therefore, it has been classified as a Variant of Uncertain Significance.

Ambry Genetics
Classification: Uncertain significance for Hereditary cancer-predisposing syndrome. Last evaluated: 2020-12-14. Review status: criteria provided, single submitter. Criteria: Ambry Variant Classification Scheme 2023. Collection method: clinical testing. Allele origin: germline.
Comment: The p.T5A variant (also known as c.13A>G), located in coding exon 1 of the RET gene, results from an A to G substitution at nucleotide position 13. The threonine at codon 5 is replaced by alanine, an amino acid with similar properties. This amino acid position is well conserved in available vertebrate species. In addition, the in silico prediction for this alteration is inconclusive. Since supporting evidence is limited at this time, the clinical significance of this alteration remains unclear.